The following is an entry in ClinVar:

ClinVar aggregate classification (germline): Pathogenic (1 of 4 stars; one submission).

Conditions:
RYR1-related disorder. Also called: RYR1-related condition; RYR1-related disorders. Identifiers: MedGen CN239331.

Allele frequency attached by ClinVar (database versions not stated): gnomAD exomes below 0.00001.

Submission:

Labcorp Genetics (formerly Invitae), Labcorp
Classification: Pathogenic for RYR1-related disorder. Last evaluated: 2024-03-07. Review status: criteria provided, single submitter. Criteria: Invitae Variant Classification Sherloc (09022015). Collection method: clinical testing. Allele origin: germline.
Comment: This sequence change creates a premature translational stop signal (p.Glu337Argfs*53) in the RYR1 gene. It is expected to result in an absent or disrupted protein product. Loss-of-function variants in RYR1 are known to be pathogenic (PMID: 23919265, 25960145, 28818389, 30611313). This variant is not present in population databases (gnomAD no frequency). This variant has not been reported in the literature in individuals affected with RYR1-related conditions. For these reasons, this variant has been classified as Pathogenic.

Literature cited by the submitters: PubMed 23919265; PubMed 25960145; PubMed 28818389; PubMed 30611313.

NM_000540.3(RYR1):c.1008del (p.Glu337fs)

Gene: RYR1 (ryanodine receptor 1; plus strand). Cytogenetic location: 19q13.2.
Variant type: Deletion.
Coding change: c.1008del on transcript NM_000540.3 (MANE Select); coding-DNA position 1008, one base deleted (T; older notation c.1008delT).
Protein change: p.Glu337fs; shifts the reading frame from glutamic acid 337.
Molecular consequence: frameshift variant.
Genome position (GRCh38, 1-based): chr19:38,448,699, T deleted. VCF-style (leftmost placement, unchanged base first): chr19-38448698-CT-C. GRCh37 (hg19) VCF-style: chr19-38939338-CT-C.
Other names: c.1008del, p.Glu337fs (NM_001042723.2); short protein forms E337fs.
Identifiers: ClinVar variation 3016158 (VCV003016158.3), dbSNP rs1568441076, ClinGen allele CA920105448.